The following is an entry in ClinVar:

ClinVar aggregate classification (germline): Uncertain significance (1 of 4 stars; one submission).

Conditions:
Sulfite oxidase deficiency due to molybdenum cofactor deficiency type C. Also called: Molybdenum cofactor deficiency C; Molybdenum cofactor deficiency, complementation group C. Identifiers: Orphanet 308400, Orphanet 833, MedGen C1854990, MONDO:0014212, OMIM 615501.

Allele frequency attached by ClinVar (database versions not stated): ExAC 0.00002; gnomAD exomes 0.00002.
gnomAD v4.1: 14 of 1,613,086 alleles (0.00087%); highest among the groups gnomAD compares: Non-Finnish European, 0.00068%; no homozygotes.

Submission:

Labcorp Genetics (formerly Invitae), Labcorp
Classification: Uncertain significance for Sulfite oxidase deficiency due to molybdenum cofactor deficiency type C. Last evaluated: 2024-02-17. Review status: criteria provided, single submitter. Criteria: Invitae Variant Classification Sherloc (09022015). Collection method: clinical testing. Allele origin: germline.
Comment: This sequence change replaces glycine, which is neutral and non-polar, with aspartic acid, which is acidic and polar, at codon 571 of the GPHN protein (p.Gly571Asp). This variant is present in population databases (rs762726630, gnomAD 0.009%). This variant has not been reported in the literature in individuals affected with GPHN-related conditions. ClinVar contains an entry for this variant (Variation ID: 1483188). Advanced modeling of protein sequence and biophysical properties (such as structural, functional, and spatial information, amino acid conservation, physicochemical variation, residue mobility, and thermodynamic stability) performed at Invitae indicates that this missense variant is not expected to disrupt GPHN protein function with a negative predictive value of 80%. In summary, the available evidence is currently insufficient to determine the role of this variant in disease. Therefore, it has been classified as a Variant of Uncertain Significance.

NM_020806.5(GPHN):c.1712G>A (p.Gly571Asp)

Gene: GPHN (gephyrin; plus strand). Cytogenetic location: 14q23.3.
Variant type: single nucleotide variant.
Coding change: c.1712G>A on transcript NM_020806.5 (MANE Select); coding-DNA position 1712, G replaced by A.
Protein change: p.Gly571Asp; replaces glycine 571 with aspartic acid.
Molecular consequence: missense variant.
Genome position (GRCh38, 1-based): chr14:67,122,341, G>A. VCF-style: chr14-67122341-G-A. GRCh37 (hg19) VCF-style: chr14-67589058-G-A.
Other names: c.1613G>A, p.Gly538Asp (NM_001024218.2); c.1772G>A, p.Gly591Asp (NM_001377514.1); c.1742G>A, p.Gly581Asp (NM_001377515.1); c.1733G>A, p.Gly578Asp (NM_001377516.1); c.1685G>A, p.Gly562Asp (NM_001377517.1); c.1670G>A, p.Gly557Asp (NM_001377518.1); c.1652G>A, p.Gly551Asp (NM_001377519.1); short protein forms G571D, G578D, G551D, G581D, G538D, G591D, G557D, G562D.
Identifiers: ClinVar variation 1483188 (VCV001483188.6), dbSNP rs762726630, ClinGen allele CA7234149.